The following is an entry in ClinVar:

ClinVar aggregate classification (germline): Uncertain significance (1 of 4 stars; one submission).

Allele frequency attached by ClinVar (database versions not stated): gnomAD 0.00001; ExAC 0.00002; TOPMed 0.00001.
gnomAD v4.1: 19 of 1,612,698 alleles (0.0012%); highest among the groups gnomAD compares: South Asian, 0.014%; no homozygotes.

Submission:

GeneDx
Classification: Uncertain significance. Last evaluated: 2024-08-28. Review status: criteria provided, single submitter. Criteria: GeneDx Variant Classification Process June 2021. Collection method: clinical testing. Allele origin: germline.
Comment: In silico analysis supports that this missense variant has a deleterious effect on protein structure/function; Has not been previously published as pathogenic or benign to our knowledge

NM_001365276.2(TNXB):c.5495C>T (p.Pro1832Leu)

Gene: TNXB (tenascin XB; minus strand). Cytogenetic location: 6p21.33.
Variant type: single nucleotide variant.
Coding change: c.5495C>T on transcript NM_001365276.2 (MANE Select); coding-DNA position 5495, C replaced by T.
Protein change: p.Pro1832Leu; replaces proline 1832 with leucine.
Molecular consequence: missense variant.
Genome position (GRCh38, 1-based): chr6:32,069,645, G>A on the plus strand (C>T on the coding strand, the complement: TNXB is on the minus strand). VCF-style: chr6-32069645-G-A. GRCh37 (hg19) VCF-style: chr6-32037422-G-A.
Other names: c.5495C>T, p.Pro1832Leu (NM_019105.8); short protein forms P1832L.
Identifiers: ClinVar variation 1803548 (VCV001803548.2), dbSNP rs768187269, ClinGen allele CA3734697.
Genomic context (GRCh38, chr6:32,069,645, plus strand): 5'-CGCTTGCCGTGGTGCAGCCCGTAGAGCAGCAGCTTGTACCTGTGGGCAGGGTCCAGGCCC[G>A]GCACGCTGACCTCCCTGAGGCTGCCCTCCACGGGCACCACCTGGGGCTGCCCGTCCCTGT-3'
Protein context (NP_001352205.1, residues 1822-1842): VEGSLREVSV[Pro1832Leu]GLDPAHRYKL